The following is an entry in ClinVar:

NM_182699.4(DDX53):c.1245T>C (p.Arg415=)

Genes: DDX53 (DEAD-box helicase 53; plus strand), PTCHD1-AS (PTCHD1 antisense RNA (head to head); minus strand). Cytogenetic location: Xp22.11.
Variant type: single nucleotide variant.
Coding change: c.1245T>C on transcript NM_182699.4 (MANE Select); coding-DNA position 1245, T replaced by C.
Protein change: p.Arg415=; no amino-acid change (arginine 415 retained).
Molecular consequence: synonymous variant.
Genome position (GRCh38, 1-based): chrX:23,001,302, T>C. VCF-style: chrX-23001302-T-C. GRCh37 (hg19) VCF-style: chrX-23019419-T-C.
Identifiers: ClinVar variation 3048048 (VCV003048048.2), dbSNP rs78316756, ClinGen allele CA10368848.

ClinVar aggregate classification (germline): Benign (0 of 4 stars; one submission).

Conditions:
DDX53-related disorder. Also called: DDX53-related condition.

Allele frequency attached by ClinVar (database versions not stated): ESP Exome Variant Server 0.00019; gnomAD 0.00065; gnomAD exomes 0.00067; TOPMed 0.00076; ExAC 0.00118; 1000 Genomes Project 30x 0.00166; 1000 Genomes Project 0.00185.

Submission:

PreventionGenetics, part of Exact Sciences
Classification: Benign for DDX53-related condition. Last evaluated: 2019-12-16. Review status: no assertion criteria provided. Collection method: clinical testing. Allele origin: germline.
Comment: This variant is classified as benign based on ACMG/AMP sequence variant interpretation guidelines (Richards et al. 2015 PMID: 25741868, with internal and published modifications).